The following is an entry in ClinVar:

NM_001025603.2(RFX5):c.64G>A (p.Ala22Thr)

Gene: RFX5 (regulatory factor X5; minus strand). Cytogenetic location: 1q21.3.
Variant type: single nucleotide variant.
Coding change: c.64G>A on transcript NM_001025603.2 (MANE Select); coding-DNA position 64, G replaced by A.
Protein change: p.Ala22Thr; replaces alanine 22 with threonine.
Molecular consequence: missense variant.
Genome position (GRCh38, 1-based): chr1:151,346,257, C>T on the plus strand (G>A on the coding strand, the complement: RFX5 is on the minus strand). VCF-style: chr1-151346257-C-T. GRCh37 (hg19) VCF-style: chr1-151318733-C-T.
Other names: c.64G>A, p.Ala22Thr (NM_000449.4, NM_001379412.1, NM_001379413.1 and 7 more transcripts); short protein forms A22T.
Identifiers: ClinVar variation 292618 (VCV000292618.18), dbSNP rs2233843, ClinGen allele CA1089963.

ClinVar aggregate classification (germline): Benign/Likely benign. Review status: criteria provided, multiple submitters, no conflicts (2 of 4 stars). 5 submissions from 5 submitters: Benign (4); Likely benign (1). Last evaluated 2026-01-28.

Conditions:
MHC class II deficiency. Also called: Bare lymphocyte syndrome 2; BLS, TYPE II. Identifiers: Orphanet 572, MedGen C5447452, MONDO:0008855.

Allele frequency attached by ClinVar (database versions not stated): gnomAD exomes 0.00425 and 0.00171; gnomAD 0.01578 and 0.01686; ESP Exome Variant Server 0.01630; TOPMed 0.01708; ExAC 0.00515; 1000 Genomes Project 0.02097; 1000 Genomes Project 30x 0.02155.
gnomAD v4.1: 4,993 of 1,614,166 alleles (0.31%); highest among the groups gnomAD compares: African/African-American, 5.7%; 133 homozygotes.

Submissions (5):

Labcorp Genetics (formerly Invitae), Labcorp
Classification: Benign for MHC class II deficiency. Last evaluated: 2026-01-28. Review status: criteria provided, single submitter. Criteria: Invitae Variant Classification Sherloc (09022015). Collection method: clinical testing. Allele origin: germline.

Women's Health and Genetics/Laboratory Corporation of America, LabCorp
Classification: Likely benign. Last evaluated: 2026-01-22. Review status: criteria provided, single submitter. Criteria: LabCorp Variant Classification Summary - May 2015. Collection method: clinical testing. Allele origin: germline.

Genome-Nilou Lab
Classification: Benign for MHC class II deficiency 1. Last evaluated: 2023-04-11. Review status: criteria provided, single submitter. Criteria: ACMG Guidelines, 2015. Collection method: clinical testing. Allele origin: germline. Affected: no.

Illumina Laboratory Services, Illumina
Classification: Benign for MHC class II deficiency 1. Last evaluated: 2018-01-12. Review status: criteria provided, single submitter. Criteria: ICSL Variant Classification Criteria 13 December 2019. Collection method: clinical testing. Allele origin: germline.
Comment: This variant was observed in the ICSL laboratory as part of a predisposition screen in an ostensibly healthy population. It had not been previously curated by ICSL or reported in the Human Gene Mutation Database (HGMD: prior to June 1st, 2018), and was therefore a candidate for classification through an automated scoring system. Utilizing variant allele frequency, disease prevalence and penetrance estimates, and inheritance mode, an automated score was calculated to assess if this variant is too frequent to cause the disease. Based on the score and internal cut-off values, a variant classified as benign is not then subjected to further curation. The score for this variant resulted in a classification of benign for this disease.

Breakthrough Genomics
Classification: Benign. Review status: criteria provided, single submitter. Criteria: ACMG Guidelines, 2015. Collection method: not provided. Allele origin: germline. Inheritance: Autosomal recessive inheritance. Affected: yes.